The following is an entry in ClinVar:

NM_020778.5(ALPK3):c.2848C>T (p.Arg950Trp)

Gene: ALPK3 (alpha kinase 3; plus strand). Cytogenetic location: 15q25.3.
Variant type: single nucleotide variant.
Coding change: c.2848C>T on transcript NM_020778.5 (MANE Select); coding-DNA position 2848, C replaced by T.
Protein change: p.Arg950Trp; replaces arginine 950 with tryptophan.
Molecular consequence: missense variant.
Genome position (GRCh38, 1-based): chr15:84,857,586, C>T. VCF-style: chr15-84857586-C-T. GRCh37 (hg19) VCF-style: chr15-85400817-C-T.
Other names: c.3454C>T (NM_020778.4); short protein forms R950W.
Identifiers: ClinVar variation 1698363 (VCV001698363.11), dbSNP rs762163130, ClinGen allele CA7709507.

ClinVar aggregate classification (germline): Uncertain significance. Review status: criteria provided, multiple submitters, no conflicts (2 of 4 stars). 3 submissions from 3 submitters: Uncertain significance (3). Last evaluated 2025-09-23.

Conditions:
Cardiovascular phenotype. Identifiers: MedGen CN230736.

Allele frequency attached by ClinVar (database versions not stated): gnomAD 0.00001 and 0.00002; TOPMed 0.00001; gnomAD exomes 0.00002; ExAC 0.00001.
gnomAD v4.1: 38 of 1,573,106 alleles (0.0024%); highest among the groups gnomAD compares: Admixed American, 0.0053%; no homozygotes.

Submissions (3):

Labcorp Genetics (formerly Invitae), Labcorp
Classification: Uncertain significance. Last evaluated: 2025-09-23. Review status: criteria provided, single submitter. Criteria: Invitae Variant Classification Sherloc (09022015). Collection method: clinical testing. Allele origin: germline.
Comment: This sequence change replaces arginine, which is basic and polar, with tryptophan, which is neutral and slightly polar, at codon 1152 of the ALPK3 protein (p.Arg1152Trp). This variant is present in population databases (rs762163130, gnomAD 0.009%). This variant has not been reported in the literature in individuals affected with ALPK3-related conditions. ClinVar contains an entry for this variant (Variation ID: 1698363). Invitae Evidence Modeling of protein sequence and biophysical properties (such as structural, functional, and spatial information, amino acid conservation, physicochemical variation, residue mobility, and thermodynamic stability) indicates that this missense variant is expected to disrupt ALPK3 protein function with a positive predictive value of 80%. In summary, the available evidence is currently insufficient to determine the role of this variant in disease. Therefore, it has been classified as a Variant of Uncertain Significance.

Ambry Genetics
Classification: Uncertain significance for Cardiovascular phenotype. Last evaluated: 2024-12-20. Review status: criteria provided, single submitter. Criteria: Ambry Variant Classification Scheme 2023. Collection method: clinical testing. Allele origin: germline.
Comment: The p.R1152W variant (also known as c.3454C>T), located in coding exon 6 of the ALPK3 gene, results from a C to T substitution at nucleotide position 3454. The arginine at codon 1152 is replaced by tryptophan, an amino acid with dissimilar properties. This amino acid position is poorly conserved in available vertebrate species. In addition, this alteration is predicted to be tolerated by in silico analysis. Since supporting evidence is limited at this time, the clinical significance of this alteration remains unclear.

GeneDx
Classification: Uncertain significance. Last evaluated: 2023-03-16. Review status: criteria provided, single submitter. Criteria: GeneDx Variant Classification Process June 2021. Collection method: clinical testing. Allele origin: germline.
Comment: Has not been previously published as pathogenic or benign to our knowledge; In silico analysis supports that this missense variant does not alter protein structure/function